The following is an entry in ClinVar:

ClinVar aggregate classification (germline): Benign/Likely benign. Review status: criteria provided, multiple submitters, no conflicts (2 of 4 stars). 3 submissions from 3 submitters: Benign (1); Likely benign (2). Last evaluated 2025-01-17.

Conditions:
Hereditary cancer-predisposing syndrome. Also called: Neoplastic Syndromes, Hereditary; Hereditary neoplastic syndrome; Tumor predisposition; Hereditary Cancer Syndrome. Identifiers: Orphanet 140162, MedGen C0027672, MeSH D009386, MONDO:0015356.
Familial cancer of breast. Also called: hereditary breast carcinoma; Hereditary breast cancer; BREAST CANCER, FAMILIAL. Identifiers: Orphanet 227535, MedGen C0346153, MONDO:0016419, OMIM 114480. Disease mechanism: loss of function.

Submissions (3):

Myriad Genetics, Inc.
Classification: Benign for Familial cancer of breast. Last evaluated: 2025-01-17. Review status: criteria provided, single submitter. Criteria: Myriad Autosomal Dominant, Autosomal Recessive and X-Linked Classification Criteria (2023). Collection method: clinical testing. Allele origin: unknown.
Comment: This variant is considered benign. This variant is a silent/synonymous amino acid change and it is not expected to impact splicing.

Labcorp Genetics (formerly Invitae), Labcorp
Classification: Likely benign for Familial cancer of breast. Last evaluated: 2022-12-22. Review status: criteria provided, single submitter. Criteria: Invitae Variant Classification Sherloc (09022015). Collection method: clinical testing. Allele origin: germline.

Ambry Genetics
Classification: Likely benign for Hereditary cancer-predisposing syndrome. Last evaluated: 2019-06-11. Review status: criteria provided, single submitter. Criteria: Ambry Variant Classification Scheme 2023. Collection method: clinical testing. Allele origin: germline.

NM_024675.4(PALB2):c.2727T>G (p.Leu909=)

Gene: PALB2 (partner and localizer of BRCA2; minus strand). Cytogenetic location: 16p12.2.
Variant type: single nucleotide variant.
Coding change: c.2727T>G on transcript NM_024675.4 (MANE Select); coding-DNA position 2727, T replaced by G.
Protein change: p.Leu909=; no amino-acid change (leucine 909 retained).
Molecular consequence: synonymous variant.
Genome position (GRCh38, 1-based): chr16:23,626,257, A>C on the plus strand (T>G on the coding strand, the complement: PALB2 is on the minus strand). VCF-style: chr16-23626257-A-C. GRCh37 (hg19) VCF-style: chr16-23637578-A-C.
Identifiers: ClinVar variation 796616 (VCV000796616.14), dbSNP rs1597084949, ClinGen allele CA494161180.